The following is an entry in ClinVar:

ClinVar aggregate classification (germline): Uncertain significance (1 of 4 stars; one submission).

Conditions:
Nephronophthisis. Also called: Juvenile Nephronophthisis. Identifiers: Orphanet 655, MedGen C0687120, MONDO:0019005, HP:0000090.

Submission:

Labcorp Genetics (formerly Invitae), Labcorp
Classification: Uncertain significance for Nephronophthisis. Last evaluated: 2021-09-09. Review status: criteria provided, single submitter. Criteria: Invitae Variant Classification Sherloc (09022015). Collection method: clinical testing. Allele origin: germline.
Comment: This sequence change replaces glutamine with proline at codon 1269 of the NPHP4 protein (p.Gln1269Pro). The glutamine residue is moderately conserved and there is a moderate physicochemical difference between glutamine and proline. This variant is not present in population databases (ExAC no frequency). This variant has not been reported in the literature in individuals affected with NPHP4-related conditions. Algorithms developed to predict the effect of missense changes on protein structure and function are either unavailable or do not agree on the potential impact of this missense change (SIFT: "Tolerated"; PolyPhen-2: "Probably Damaging"; Align-GVGD: "Class C0"). In summary, the available evidence is currently insufficient to determine the role of this variant in disease. Therefore, it has been classified as a Variant of Uncertain Significance.

NM_015102.5(NPHP4):c.3806A>C (p.Gln1269Pro)

Gene: NPHP4 (nephrocystin 4; minus strand). Cytogenetic location: 1p36.31.
Variant type: single nucleotide variant.
Coding change: c.3806A>C on transcript NM_015102.5 (MANE Select); coding-DNA position 3806, A replaced by C.
Protein change: p.Gln1269Pro; replaces glutamine 1269 with proline.
Molecular consequence: missense variant. On other transcripts: non-coding transcript variant (1).
Genome position (GRCh38, 1-based): chr1:5,865,112, T>G on the plus strand (A>C on the coding strand, the complement: NPHP4 is on the minus strand). VCF-style: chr1-5865112-T-G. GRCh37 (hg19) VCF-style: chr1-5925172-T-G.
Other names: c.2267A>C, p.Gln756Pro (NM_001291593.2); c.2270A>C, p.Gln757Pro (NM_001291594.2); short protein forms Q756P, Q1269P, Q757P.
Identifiers: ClinVar variation 1380394 (VCV001380394.6), dbSNP rs747971299, ClinGen allele CA338049948.